The following is an entry in ClinVar:

NM_033380.3(COL4A5):c.1099C>T (p.Pro367Ser)

Gene: COL4A5 (collagen type IV alpha 5 chain; plus strand). Cytogenetic location: Xq22.3.
Variant type: single nucleotide variant.
Coding change: c.1099C>T on transcript NM_033380.3 (MANE Select); coding-DNA position 1099, C replaced by T.
Protein change: p.Pro367Ser; replaces proline 367 with serine.
Molecular consequence: missense variant.
Genome position (GRCh38, 1-based): chrX:108,586,681, C>T. VCF-style: chrX-108586681-C-T. GRCh37 (hg19) VCF-style: chrX-107829911-C-T.
Other names: c.1099C>T, p.Pro367Ser (NM_000495.5); short protein forms P367S.
Identifiers: ClinVar variation 1716725 (VCV001716725.5), dbSNP rs2524267291, ClinGen allele CA413930523.
Genomic context (GRCh38, chrX:108,586,681, plus strand): 5'-CCTAGACCTGGGACTGGTATAACTATAGGAGAAAAAGGAAACATTGGGTTGCCTGGGTTG[C>T]CTGGAGAAAAAGGAGAGCGAGGATTTCCTGGAATACAGGGTCCACCTGGCCTTCCTGGAC-3'
Protein context (NP_203699.1, residues 357-377): EKGNIGLPGL[Pro367Ser]GEKGERGFPG

ClinVar aggregate classification (germline): Uncertain significance (1 of 4 stars; one submission).

Submission:

Labcorp Genetics (formerly Invitae), Labcorp
Classification: Uncertain significance. Last evaluated: 2022-09-23. Review status: criteria provided, single submitter. Criteria: Invitae Variant Classification Sherloc (09022015). Collection method: clinical testing. Allele origin: germline.
Comment: This sequence change replaces proline, which is neutral and non-polar, with serine, which is neutral and polar, at codon 367 of the COL4A5 protein (p.Pro367Ser). This variant is not present in population databases (gnomAD no frequency). This variant has not been reported in the literature in individuals affected with COL4A5-related conditions. Advanced modeling of protein sequence and biophysical properties (such as structural, functional, and spatial information, amino acid conservation, physicochemical variation, residue mobility, and thermodynamic stability) performed at Invitae indicates that this missense variant is not expected to disrupt COL4A5 protein function. In summary, the available evidence is currently insufficient to determine the role of this variant in disease. Therefore, it has been classified as a Variant of Uncertain Significance.